The following is an entry in ClinVar:

ClinVar aggregate classification (germline): Uncertain significance (1 of 4 stars; one submission).

gnomAD v4.1: 10 of 1,576,684 alleles (0.00063%); highest among the groups gnomAD compares: Non-Finnish European, 0.00086%; no homozygotes.

Submission:

Labcorp Genetics (formerly Invitae), Labcorp
Classification: Uncertain significance. Last evaluated: 2024-06-02. Review status: criteria provided, single submitter. Criteria: Invitae Variant Classification Sherloc (09022015). Collection method: clinical testing. Allele origin: germline.
Comment: This sequence change replaces arginine, which is basic and polar, with serine, which is neutral and polar, at codon 2768 of the CPLANE1 protein (p.Arg2768Ser). The frequency data for this variant in the population databases is considered unreliable, as metrics indicate poor data quality at this position in the gnomAD database. This variant has not been reported in the literature in individuals affected with CPLANE1-related conditions. Algorithms developed to predict the effect of missense changes on protein structure and function output the following: SIFT: "Not Available"; PolyPhen-2: "Benign"; Align-GVGD: "Not Available". The serine amino acid residue is found in multiple mammalian species, which suggests that this missense change does not adversely affect protein function. Algorithms developed to predict the effect of sequence changes on RNA splicing suggest that this variant may disrupt the consensus splice site. In summary, the available evidence is currently insufficient to determine the role of this variant in disease. Therefore, it has been classified as a Variant of Uncertain Significance.

NM_001384732.1(CPLANE1):c.8464C>A (p.Arg2822Ser)

Gene: CPLANE1 (ciliogenesis and planar polarity effector complex subunit 1; minus strand). Cytogenetic location: 5p13.2.
Variant type: single nucleotide variant.
Coding change: c.8464C>A on transcript NM_001384732.1 (MANE Select); coding-DNA position 8464, C replaced by A.
Protein change: p.Arg2822Ser; replaces arginine 2822 with serine.
Molecular consequence: missense variant.
Genome position (GRCh38, 1-based): chr5:37,142,478, G>T on the plus strand (C>A on the coding strand, the complement: CPLANE1 is on the minus strand). VCF-style: chr5-37142478-G-T. GRCh37 (hg19) VCF-style: chr5-37142580-G-T.
Other names: c.8302C>A, p.Arg2768Ser (NM_023073.4); short protein forms R2768S, R2822S.
Identifiers: ClinVar variation 3676225 (VCV003676225.2).